The following is an entry in ClinVar:

ClinVar aggregate classification (germline): Uncertain significance. Review status: criteria provided, multiple submitters, no conflicts (2 of 4 stars). 3 submissions from 3 submitters: Uncertain significance (3). Last evaluated 2025-04-08.

Conditions:
TGFBR2-related disorder. Also called: TGFBR2-related condition.
Familial thoracic aortic aneurysm and aortic dissection (TAAD). Also called: Thoracic aortic aneurysms and dissections. Identifiers: Orphanet 91387, MedGen C4707243, MONDO:0019625.

Allele frequency attached by ClinVar (database versions not stated): gnomAD exomes below 0.00001.

Submissions (3):

Labcorp Genetics (formerly Invitae), Labcorp
Classification: Uncertain significance for Familial thoracic aortic aneurysm and aortic dissection. Last evaluated: 2025-04-08. Review status: criteria provided, single submitter. Criteria: Invitae Variant Classification Sherloc (09022015). Collection method: clinical testing. Allele origin: germline.
Comment: This sequence change results in a frameshift in the TGFBR2 gene (p.Glu559Glyfs*38). While this is not anticipated to result in nonsense mediated decay, it is expected to disrupt the last 9 amino acid(s) of the TGFBR2 protein and extend the protein by 28 additional amino acid residues. This variant is not present in population databases (gnomAD no frequency). This variant has not been reported in the literature in individuals affected with TGFBR2-related conditions. ClinVar contains an entry for this variant (Variation ID: 1171248). In summary, the available evidence is currently insufficient to determine the role of this variant in disease. Therefore, it has been classified as a Variant of Uncertain Significance.

PreventionGenetics, part of Exact Sciences
Classification: Uncertain significance for TGFBR2-related condition. Last evaluated: 2024-10-28. Review status: criteria provided, single submitter. Criteria: ACMG Guidelines, 2015. Collection method: clinical testing. Allele origin: germline.
Comment: The TGFBR2 c.1676_1677delAA variant is predicted to result in a frameshift and premature protein termination (p.Glu559Glyfs*38). To our knowledge, this variant has not been reported in the literature or in a large population database (gnomAD), indicating this variant is rare. Although we suspect that this variant may be pathogenic, at this time, the clinical significance of this variant is uncertain due to the absence of conclusive functional and genetic evidence.

Color Diagnostics, LLC DBA Color Health
Classification: Uncertain significance for Familial thoracic aortic aneurysm and aortic dissection. Last evaluated: 2020-12-21. Review status: criteria provided, single submitter. Criteria: ACMG Guidelines, 2015. Collection method: clinical testing. Allele origin: germline.
Comment: This variant deletes 2 nucleotides in exon 7 of the TGFBR2 gene, creating a frameshift in the last exon. The mutant transcript is expected to escape nonsense-mediated decay and be expressed as a protein product containing altered C-terminal sequence. To our knowledge, this variant has not been reported in individuals affected with cardiovascular disorders in the literature. This variant has not been identified in the general population by the Genome Aggregation Database (gnomAD). The available evidence is insufficient to determine the role of this variant in disease conclusively. Therefore, this variant is classified as a Variant of Uncertain Significance.

NM_003242.6(TGFBR2):c.1676_1677del (p.Glu559fs)

Gene: TGFBR2 (transforming growth factor beta receptor 2; plus strand). Cytogenetic location: 3p24.1.
Variant type: Deletion.
Coding change: c.1676_1677del on transcript NM_003242.6 (MANE Select); coding-DNA positions 1676 to 1677, 2 bases deleted (AA; older notation c.1676_1677delAA).
Protein change: p.Glu559fs; shifts the reading frame from glutamic acid 559.
Molecular consequence: frameshift variant.
Genome position (GRCh38, 1-based): chr3:30,691,571-30,691,572, AA deleted. VCF-style (leftmost placement, unchanged base first): chr3-30691570-GAA-G. GRCh37 (hg19) VCF-style: chr3-30733062-GAA-G.
Other names: c.1751_1752delAA, p.Glu584Glyfs (NM_001024847.3); c.1859_1860delAA, p.Glu620Glyfs (NM_001407126.1); c.1784_1785delAA, p.Glu595Glyfs (NM_001407127.1); c.1703_1704delAA, p.Glu568Glyfs (NM_001407128.1); c.1679_1680delAA, p.Glu560Glyfs (NM_001407129.1); c.1673_1674delAA, p.Glu558Glyfs (NM_001407130.1); c.1571_1572delAA, p.Glu524Glyfs (NM_001407132.1, NM_001407133.1, NM_001407134.1 and 2 more transcripts); c.1391_1392delAA, p.Glu464Glyfs (NM_001407137.1); and 3 more; short protein forms E559fs, E584fs.
Identifiers: ClinVar variation 1171248 (VCV001171248.5), dbSNP rs2125455762, ClinGen allele CA2499216652.